The following is an entry in ClinVar:

NM_000391.4(TPP1):c.1154T>A (p.Val385Asp)

Gene: TPP1 (tripeptidyl peptidase 1; minus strand). Cytogenetic location: 11p15.4.
Variant type: single nucleotide variant.
Coding change: c.1154T>A on transcript NM_000391.4 (MANE Select); coding-DNA position 1154, T replaced by A.
Protein change: p.Val385Asp; replaces valine 385 with aspartic acid.
Molecular consequence: missense variant.
Genome position (GRCh38, 1-based): chr11:6,615,554, A>T on the plus strand (T>A on the coding strand, the complement: TPP1 is on the minus strand). VCF-style: chr11-6615554-A-T. GRCh37 (hg19) VCF-style: chr11-6636785-A-T.
Other names: 5159T>A; short protein forms V385D.
Identifiers: ClinVar variation 68736 (VCV000068736.7), dbSNP rs121908198, ClinGen allele CA266179.

ClinVar aggregate classification (germline): Likely pathogenic. Review status: criteria provided, single submitter (1 of 4 stars). 2 submissions from 2 submitters: Likely pathogenic (1). 1 of the submissions does not count toward it. Last evaluated 2022-05-27.

Conditions:
Neuronal ceroid lipofuscinosis 2. Also called: TPP1-Related Neuronal Ceroid-Lipofuscinosis; JANSKY-BIELSCHOWSKY DISEASE NEURONAL CEROID LIPOFUSCINOSIS, LATE INFANTILE. Identifiers: Orphanet 168491, Orphanet 228349, Orphanet 79264, MedGen C1876161, MONDO:0008769, OMIM 204500.

Submissions (2):

Labcorp Genetics (formerly Invitae), Labcorp
Classification: Likely pathogenic. Last evaluated: 2022-05-27. Review status: criteria provided, single submitter. Criteria: Invitae Variant Classification Sherloc (09022015). Collection method: clinical testing. Allele origin: germline.
Comment: In summary, the currently available evidence indicates that the variant is pathogenic, but additional data are needed to prove that conclusively. Therefore, this variant has been classified as Likely Pathogenic. Advanced modeling of protein sequence and biophysical properties (such as structural, functional, and spatial information, amino acid conservation, physicochemical variation, residue mobility, and thermodynamic stability) performed at Invitae indicates that this missense variant is expected to disrupt TPP1 protein function. ClinVar contains an entry for this variant (Variation ID: 68736). This variant is also known as 5159T>A. This missense change has been observed in individual(s) with neuronal ceroid lipofuscinosis (PMID: 10330339). This variant is not present in population databases (gnomAD no frequency). This sequence change replaces valine, which is neutral and non-polar, with aspartic acid, which is acidic and polar, at codon 385 of the TPP1 protein (p.Val385Asp).

UniProtKB/Swiss-Prot
No classification provided. Condition: Ceroid lipofuscinosis, neuronal, 2. Review status: no classification provided. Collection method: not provided. Allele origin: not provided. Not counted in ClinVar's aggregate classification.

Literature cited by the submitters: PubMed 10330339 (cited by Labcorp Genetics (formerly Invitae), Labcorp).